The following is an entry in ClinVar:

NM_022552.5(DNMT3A):c.1528G>A (p.Val510Ile)

Gene: DNMT3A (DNA methyltransferase 3 alpha; minus strand). Cytogenetic location: 2p23.3.
Variant type: single nucleotide variant.
Coding change: c.1528G>A on transcript NM_022552.5 (MANE Select); coding-DNA position 1528, G replaced by A.
Protein change: p.Val510Ile; replaces valine 510 with isoleucine.
Molecular consequence: missense variant. On other transcripts: non-coding transcript variant (1).
Genome position (GRCh38, 1-based): chr2:25,245,279, C>T on the plus strand (G>A on the coding strand, the complement: DNMT3A is on the minus strand). VCF-style: chr2-25245279-C-T. GRCh37 (hg19) VCF-style: chr2-25468148-C-T.
Other names: c.1072G>A, p.Val358Ile (NM_001320893.1); c.859G>A, p.Val287Ile (NM_001375819.1); c.961G>A, p.Val321Ile (NM_153759.3); c.1528G>A, p.Val510Ile (NM_175629.2); short protein forms V358I, V287I, V321I, V510I.
Identifiers: ClinVar variation 2192302 (VCV002192302.5), dbSNP rs751419033, ClinGen allele CA1555980.

ClinVar aggregate classification (germline): Conflicting classifications of pathogenicity. Review status: criteria provided, conflicting classifications (1 of 4 stars). 2 submissions from 2 submitters: Uncertain significance (1); Likely benign (1). Last evaluated 2026-05-28.

Conditions:
DNMT3A-related disorder. Also called: DNMT3A-related condition; DNMT3A-related disorders.
Tatton-Brown-Rahman overgrowth syndrome. Also called: Tall stature-intellectual disability-facial dysmorphism syndrome; Tatton-Brown-Rahman syndrome. Identifiers: Orphanet 404443, MedGen C4014545, MONDO:0014382, OMIM 615879.

Allele frequency attached by ClinVar (database versions not stated): gnomAD exomes 0.00002; gnomAD 0.00003; ExAC 0.00005; TOPMed 0.00005.
gnomAD v4.1: 27 of 1,613,880 alleles (0.0017%); highest among the groups gnomAD compares: East Asian, 0.018%; no homozygotes.

Submissions (2):

PreventionGenetics, part of Exact Sciences
Classification: Uncertain significance for DNMT3A-related condition. Last evaluated: 2026-05-28. Review status: criteria provided, single submitter. Criteria: ACMG Guidelines, 2015. Collection method: clinical testing. Allele origin: germline.
Comment: The DNMT3A c.1528G>A variant is predicted to result in the amino acid substitution p.Val510Ile. To our knowledge, this variant has not been reported in the literature. This variant is reported in 0.049% of alleles in individuals of East Asian descent in gnomAD, which is likely too common to be a primary cause of disease. At this time, the clinical significance of this variant is uncertain due to the absence of conclusive functional and genetic evidence.

Labcorp Genetics (formerly Invitae), Labcorp
Classification: Likely benign for Tatton-Brown-Rahman overgrowth syndrome. Last evaluated: 2024-10-22. Review status: criteria provided, single submitter. Criteria: Invitae Variant Classification Sherloc (09022015). Collection method: clinical testing. Allele origin: germline.